The following is an entry in ClinVar:

ClinVar aggregate classification (germline): Pathogenic (1 of 4 stars; one submission).

Conditions:
Muscular dystrophy-dystroglycanopathy (congenital with brain and eye anomalies), type A, 7. Also called: WALKER-WARBURG SYNDROME OR MUSCLE-EYE-BRAIN DISEASE, ISPD-RELATED; Congenital muscular dystrophy-dystroglycanopathy with brain and eye anomalies, type A7. Identifiers: Orphanet 899, MedGen C3553330, MONDO:0013835, OMIM 614643.
Autosomal recessive limb-girdle muscular dystrophy type 2U. Also called: Muscular dystrophy-dystroglycanopathy (limb-girdle), type c, 7; MUSCULAR DYSTROPHY, LIMB-GIRDLE, TYPE 2U. Identifiers: Orphanet 352479, MedGen C5190987, MONDO:0014474, OMIM 616052.

Allele frequency attached by ClinVar (database versions not stated): gnomAD exomes below 0.00001; TOPMed below 0.00001; ExAC 0.00001.

Submission:

Labcorp Genetics (formerly Invitae), Labcorp
Classification: Pathogenic for Muscular dystrophy-dystroglycanopathy (congenital with brain and eye anomalies), type A, 7; Autosomal recessive limb-girdle muscular dystrophy type 2U. Last evaluated: 2019-11-12. Review status: criteria provided, single submitter. Criteria: Invitae Variant Classification Sherloc (09022015). Collection method: clinical testing. Allele origin: germline.
Comment: This sequence change creates a premature translational stop signal (p.Glu235Valfs*4) in the ISPD gene. It is expected to result in an absent or disrupted protein product. This variant is present in population databases (rs781097746, ExAC 0.002%). This variant has not been reported in the literature in individuals with ISPD-related conditions. Loss-of-function variants in ISPD are known to be pathogenic (PMID: 23288328). For these reasons, this variant has been classified as Pathogenic.

Literature cited by the submitters: PubMed 23288328.

NM_001101426.4(CRPPA):c.704_705del (p.Glu235fs)

Gene: CRPPA (CDP-L-ribitol pyrophosphorylase A; minus strand). Cytogenetic location: 7p21.2.
Variant type: Deletion.
Coding change: c.704_705del on transcript NM_001101426.4 (MANE Select); coding-DNA positions 704 to 705, 2 bases deleted (AA; older notation c.704_705delAA).
Protein change: p.Glu235fs; shifts the reading frame from glutamic acid 235.
Molecular consequence: frameshift variant. On other transcripts: intron variant (1).
Genome position (GRCh38, 1-based): chr7:16,308,607-16,308,608, TT deleted on the plus strand (AA on the coding strand, the reverse complement: CRPPA is on the minus strand). VCF-style (leftmost placement, unchanged base first): chr7-16308606-ATT-A. GRCh37 (hg19) VCF-style: chr7-16348231-ATT-A.
Other names: c.554_555del, p.Glu185fs (NM_001101417.4); c.685-7142_685-7141del (NM_001368197.1); short protein forms E185fs, E235fs.
Identifiers: ClinVar variation 954357 (VCV000954357.3), dbSNP rs781097746, ClinGen allele CA4169523.